The following is an entry in ClinVar:

ClinVar aggregate classification (germline): Likely benign. Review status: criteria provided, multiple submitters, no conflicts (2 of 4 stars). 4 submissions from 4 submitters: Likely benign (4). Last evaluated 2026-01-11.

Conditions:
Cardiovascular phenotype. Identifiers: MedGen CN230736.
X-linked Emery-Dreifuss muscular dystrophy. Also called: Muscular dystrophy, tardive Emery-Dreifuss type, with contractures. Identifiers: Orphanet 261, Orphanet 98863, MedGen C0751337, MONDO:0010680.

Allele frequency attached by ClinVar (database versions not stated): ExAC 0.00001; TOPMed 0.00002; gnomAD 0.00004.

Submissions (4):

Labcorp Genetics (formerly Invitae), Labcorp
Classification: Likely benign for X-linked Emery-Dreifuss muscular dystrophy. Last evaluated: 2026-01-11. Review status: criteria provided, single submitter. Criteria: Invitae Variant Classification Sherloc (09022015). Collection method: clinical testing. Allele origin: germline.

Mayo Clinic Laboratories, Mayo Clinic
Classification: Likely benign. Last evaluated: 2025-01-21. Review status: criteria provided, single submitter. Criteria: ACMG Guidelines, 2015. Collection method: clinical testing. Allele origin: germline. Observed: 1 variant allele.
Comment: BS2, BP4, BP7

Ambry Genetics
Classification: Likely benign for Cardiovascular phenotype. Last evaluated: 2020-04-06. Review status: criteria provided, single submitter. Criteria: Ambry Variant Classification Scheme 2023. Collection method: clinical testing. Allele origin: germline.

GeneDx
Classification: Likely benign. Last evaluated: 2020-03-26. Review status: criteria provided, single submitter. Criteria: GeneDx Variant Classification Process June 2021. Collection method: clinical testing. Allele origin: germline. Affected: yes.

NM_000117.3(EMD):c.459C>T (p.Pro153=)

Gene: EMD (emerin; plus strand). Cytogenetic location: Xq28.
Variant type: single nucleotide variant.
Coding change: c.459C>T on transcript NM_000117.3 (MANE Select); coding-DNA position 459, C replaced by T.
Protein change: p.Pro153=; no amino-acid change (proline 153 retained).
Molecular consequence: synonymous variant.
Genome position (GRCh38, 1-based): chrX:154,380,891, C>T. VCF-style: chrX-154380891-C-T. GRCh37 (hg19) VCF-style: chrX-153609251-C-T.
Other names: p.Pro153=.
Identifiers: ClinVar variation 680391 (VCV000680391.16), dbSNP rs782147479, ClinGen allele CA10561620.
Genomic context (GRCh38, chrX:154,380,891, plus strand): 5'-CTGGTTCTGGGTCCAGGCTCCTGGCCCACTTGCTCCCCTCTTTTGCCTCAGGGAACGCCC[C>T]ATGTACGGCCGGGACAGTGCCTACCAGAGCATCACGCACTACCGCCCTGTTTCAGCCTCC-3'
Protein context (NP_000108.1, residues 143-163): SEEECKDRER[Pro153=]MYGRDSAYQS